The following is an entry in ClinVar:

NM_000540.3(RYR1):c.1577-6C>T

Gene: RYR1 (ryanodine receptor 1; plus strand). Cytogenetic location: 19q13.2.
Variant type: single nucleotide variant.
Coding change: c.1577-6C>T on transcript NM_000540.3 (MANE Select); 6 bases into the intron before coding-DNA position 1577, C replaced by T.
Molecular consequence: intron variant.
Genome position (GRCh38, 1-based): chr19:38,455,445, C>T. VCF-style: chr19-38455445-C-T. GRCh37 (hg19) VCF-style: chr19-38946085-C-T.
Other names: c.1577-6C>T (NM_001042723.2).
Identifiers: ClinVar variation 756775 (VCV000756775.9), dbSNP rs61586345, ClinGen allele CA915952940.
Genomic context (GRCh38, chr19:38,455,445, plus strand): 5'-CCTGACTCCCCTGAGAACACCCCAGATCCCCAGTCCTATTGGATCTGACACCTCTTCCCC[C>T]CTCAGCTTCTCTAATCCGTGGCAATCGTAGCAACTGTGCCCTCTTCTCCACAAACTTGGA-3'

ClinVar aggregate classification (germline): Likely benign. Review status: criteria provided, multiple submitters, no conflicts (2 of 4 stars). 2 submissions from 2 submitters: Likely benign (2). Last evaluated 2024-01-08.

Conditions:
RYR1-related disorder. Also called: RYR1-related condition; RYR1-related disorders. Identifiers: MedGen CN239331.
Malignant hyperthermia, susceptibility to, 1 (MHS1). Also called: Malignant hyperthermia suceptibility 1; RYR1-Related Malignant Hyperthermia Susceptibility; Anesthesia related hyperthermia; Malignant hyperpyrexia; Fulminating hyperpyrexia; Pharmacogenic myopathy. Identifiers: Orphanet 423, MedGen C2930980, MONDO:0007783, OMIM 145600.

gnomAD v4.1: 1 of 1,614,152 alleles (0.000062%); highest among the groups gnomAD compares: Non-Finnish European, 0.000085%; no homozygotes.

Submissions (2):

Labcorp Genetics (formerly Invitae), Labcorp
Classification: Likely benign for RYR1-related disorder. Last evaluated: 2024-01-08. Review status: criteria provided, single submitter. Criteria: Invitae Variant Classification Sherloc (09022015). Collection method: clinical testing. Allele origin: germline.

All of Us Research Program, National Institutes of Health
Classification: Likely benign for Malignant hyperthermia, susceptibility to, 1. Last evaluated: 2023-05-16. Review status: criteria provided, single submitter. Criteria: ACMG Guidelines, 2015. Collection method: clinical testing. Allele origin: germline. Inheritance: Autosomal dominant inheritance. Observed: 1 variant allele, 1 heterozygote.
Comment: This study involves interpretation of variants in research participants for the purpose of population health screening. Participant phenotype was not available at the time of variant classification. Additional details can be found in publication PMID: 35346344, PMCID: PMC8962531